The following is an entry in ClinVar:

ClinVar aggregate classification (germline): Conflicting classifications of pathogenicity. Review status: criteria provided, conflicting classifications (1 of 4 stars). 2 submissions from 2 submitters: Uncertain significance (1); Likely benign (1). Last evaluated 2022-04-08.

Conditions:
Hereditary cancer-predisposing syndrome. Also called: Tumor predisposition; Hereditary neoplastic syndrome; Neoplastic Syndromes, Hereditary; Hereditary Cancer Syndrome. Identifiers: Orphanet 140162, MedGen C0027672, MeSH D009386, MONDO:0015356.

Allele frequency attached by ClinVar (database versions not stated): gnomAD exomes below 0.00001.
gnomAD v4.1: 4 of 1,613,778 alleles (0.00025%); highest among the groups gnomAD compares: Non-Finnish European, 0.00034%; no homozygotes.

Submissions (2):

Ambry Genetics
Classification: Likely benign for Hereditary cancer-predisposing syndrome. Last evaluated: 2022-04-08. Review status: criteria provided, single submitter. Criteria: Ambry Variant Classification Scheme 2023. Collection method: clinical testing. Allele origin: germline.

Labcorp Genetics (formerly Invitae), Labcorp
Classification: Uncertain significance. Last evaluated: 2022-03-29. Review status: criteria provided, single submitter. Criteria: Invitae Variant Classification Sherloc (09022015). Collection method: clinical testing. Allele origin: germline.
Comment: This sequence change replaces isoleucine, which is neutral and non-polar, with valine, which is neutral and non-polar, at codon 663 of the MSH3 protein (p.Ile663Val). This variant is not present in population databases (gnomAD no frequency). In summary, the available evidence is currently insufficient to determine the role of this variant in disease. Therefore, it has been classified as a Variant of Uncertain Significance. Algorithms developed to predict the effect of missense changes on protein structure and function output the following: SIFT: "Tolerated"; PolyPhen-2: "Benign"; Align-GVGD: "Class C0". The valine amino acid residue is found in multiple mammalian species, which suggests that this missense change does not adversely affect protein function. ClinVar contains an entry for this variant (Variation ID: 664174). This variant has not been reported in the literature in individuals affected with MSH3-related conditions.

NM_002439.5(MSH3):c.1987A>G (p.Ile663Val)

Gene: MSH3 (mutS homolog 3; plus strand). Cytogenetic location: 5q14.1.
Variant type: single nucleotide variant.
Coding change: c.1987A>G on transcript NM_002439.5 (MANE Select); coding-DNA position 1987, A replaced by G.
Protein change: p.Ile663Val; replaces isoleucine 663 with valine.
Molecular consequence: missense variant.
Genome position (GRCh38, 1-based): chr5:80,768,023, A>G. VCF-style: chr5-80768023-A-G. GRCh37 (hg19) VCF-style: chr5-80063842-A-G.
Other names: short protein forms I663V.
Identifiers: ClinVar variation 664174 (VCV000664174.11), dbSNP rs1580033845, ClinGen allele CA360277651.